The following is an entry in ClinVar:

NM_001323289.2(CDKL5):c.2596C>T (p.Gln866Ter)

Gene: CDKL5 (cyclin dependent kinase like 5; plus strand). Cytogenetic location: Xp22.13.
Variant type: single nucleotide variant.
Coding change: c.2596C>T on transcript NM_001323289.2 (MANE Select); coding-DNA position 2596, C replaced by T.
Protein change: p.Gln866Ter; replaces glutamine 866 with a stop codon.
Molecular consequence: nonsense.
Genome position (GRCh38, 1-based): chrX:18,628,470, C>T. VCF-style: chrX-18628470-C-T. GRCh37 (hg19) VCF-style: chrX-18646590-C-T.
Other names: p.Q866*:CAA>TAA; c.2596C>T, p.Gln866Ter (NM_001037343.2, NM_003159.3); short protein forms Q866*.
Identifiers: ClinVar variation 156691 (VCV000156691.11), dbSNP rs587783158, ClinGen allele CA171632.

ClinVar aggregate classification (germline): Pathogenic. Review status: criteria provided, multiple submitters, no conflicts (2 of 4 stars). 3 submissions from 3 submitters: Pathogenic (3). Last evaluated 2024-10-21.

Conditions:
Developmental and epileptic encephalopathy, 2 (DEE2). Also called: INFANTILE SPASM SYNDROME, X-LINKED 2; CDKL5 deficiency disorder. Identifiers: Orphanet 1934, Orphanet 3451, Orphanet 505652, MedGen C4750718, MONDO:0010396, OMIM 300672.
Angelman syndrome-like. Identifiers: MedGen CN128785.

Submissions (3):

Labcorp Genetics (formerly Invitae), Labcorp
Classification: Pathogenic for Developmental and epileptic encephalopathy, 2; Angelman syndrome-like. Last evaluated: 2024-10-21. Review status: criteria provided, single submitter. Criteria: Invitae Variant Classification Sherloc (09022015). Collection method: clinical testing. Allele origin: germline.
Comment: This sequence change creates a premature translational stop signal (p.Gln866*) in the CDKL5 gene. It is expected to result in an absent or disrupted protein product. Loss-of-function variants in CDKL5 are known to be pathogenic (PMID: 22872100). This variant is not present in population databases (gnomAD no frequency). This premature translational stop signal has been observed in individual(s) with CDKL5-related conditions (PMID: 29655203). ClinVar contains an entry for this variant (Variation ID: 156691). For these reasons, this variant has been classified as Pathogenic.

Genetic Services Laboratory, University of Chicago
Classification: Pathogenic for Epileptic encephalopathy, early infantile, 2. Last evaluated: 2012-11-16. Review status: criteria provided, single submitter. Criteria: ACMG Guidelines, 2007. Collection method: clinical testing. Allele origin: germline. Inheritance: X-linked inheritance. Affected: yes.

GeneDx
Classification: Pathogenic. Last evaluated: 2012-04-12. Review status: criteria provided, single submitter. Criteria: GeneDx Variant Classification (06012015). Collection method: clinical testing. Allele origin: germline. Affected: yes.
Comment: The Gln866Stop nonsense mutation in the CDKL5 gene is predicted to cause loss of normal protein function either through protein truncation or nonsense-mediated mRNA decay. The variant is found in EPILEPSY panel(s).

Literature cited by the submitters: PubMed 22872100 (cited by Labcorp Genetics (formerly Invitae), Labcorp); PubMed 29655203 (cited by Labcorp Genetics (formerly Invitae), Labcorp).